The following is an entry in ClinVar:

NM_003334.4(UBA1):c.117+9C>T

Genes: UBA1 (ubiquitin like modifier activating enzyme 1; plus strand), LOC126863253 (CDK7 strongly-dependent group 2 enhancer GRCh37_chrX:47057593-47058792; plus strand). Cytogenetic location: Xp11.3.
Variant type: single nucleotide variant.
Coding change: c.117+9C>T on transcript NM_003334.4 (MANE Select); 9 bases into the intron after coding-DNA position 117, C replaced by T.
Molecular consequence: intron variant.
Genome position (GRCh38, 1-based): chrX:47,198,928, C>T. VCF-style: chrX-47198928-C-T. GRCh37 (hg19) VCF-style: chrX-47058327-C-T.
Other names: c.117+9C>T (NM_153280.3).
Identifiers: ClinVar variation 506851 (VCV000506851.13), dbSNP rs371344095, ClinGen allele CA10395595.

ClinVar aggregate classification (germline): Benign/Likely benign. Review status: criteria provided, multiple submitters, no conflicts (2 of 4 stars). 3 submissions from 3 submitters: Benign (1); Likely benign (2). Last evaluated 2025-12-18.

Conditions:
Infantile-onset X-linked spinal muscular atrophy. Also called: AMC, DISTAL, X-LINKED; ARTHROGRYPOSIS, X-LINKED, TYPE I; Spinal Muscular Atrophy, X-Linked Infantile; Spinal muscular atrophy, X-linked 2; SPINAL MUSCULAR ATROPHY, X-LINKED LETHAL INFANTILE. Identifiers: Orphanet 1145, MedGen C1844934, MONDO:0010532, OMIM 301830.

Allele frequency attached by ClinVar (database versions not stated): gnomAD exomes 0.00008 and 0.00021; TOPMed 0.00093; ESP Exome Variant Server 0.00104; 1000 Genomes Project 30x 0.00021; 1000 Genomes Project 0.00026; ExAC 0.00031; gnomAD 0.00081 and 0.00088.
gnomAD v4.1: 191 of 1,208,759 alleles (0.016%); highest among the groups gnomAD compares: African/African-American, 0.27%; no homozygotes.

Submissions (3):

Labcorp Genetics (formerly Invitae), Labcorp
Classification: Benign for Infantile-onset X-linked spinal muscular atrophy. Last evaluated: 2025-12-18. Review status: criteria provided, single submitter. Criteria: Invitae Variant Classification Sherloc (09022015). Collection method: clinical testing. Allele origin: germline.

Blueprint Genetics
Classification: Likely benign. Last evaluated: 2022-02-16. Review status: criteria provided, single submitter. Criteria: ACMG Guidelines, 2015. Collection method: clinical testing. Allele origin: germline.

GeneDx
Classification: Likely benign. Last evaluated: 2017-01-19. Review status: criteria provided, single submitter. Criteria: GeneDx Variant Classification (06012015). Collection method: clinical testing. Allele origin: germline. Affected: yes.
Comment: This variant is considered likely benign or benign based on one or more of the following criteria: it is a conservative change, it occurs at a poorly conserved position in the protein, it is predicted to be benign by multiple in silico algorithms, and/or has population frequency not consistent with disease.